The following is an entry in ClinVar:

NM_001999.4(FBN2):c.5941T>A (p.Phe1981Ile)

Gene: FBN2 (fibrillin 2; minus strand). Cytogenetic location: 5q23.3.
Variant type: single nucleotide variant.
Coding change: c.5941T>A on transcript NM_001999.4 (MANE Select); coding-DNA position 5941, T replaced by A.
Protein change: p.Phe1981Ile; replaces phenylalanine 1981 with isoleucine.
Molecular consequence: missense variant.
Genome position (GRCh38, 1-based): chr5:128,301,487, A>T on the plus strand (T>A on the coding strand, the complement: FBN2 is on the minus strand). VCF-style: chr5-128301487-A-T. GRCh37 (hg19) VCF-style: chr5-127637179-A-T.
Other names: short protein forms F1981I.
Identifiers: ClinVar variation 1675276 (VCV001675276.6), dbSNP rs527609978, ClinGen allele CA3394540.
Genomic context (GRCh38, chr5:128,301,487, plus strand): 5'-ATAGACACTTGAAAGAACCAATTTCATTAAAACAACGTCCATTTCTGCACACCTGACCAA[A>T]AAAGGAACTGCACTCATCTATGTCTGTAAGCAAACAGGAGTATGTTTTTCAGAAAGAGCT-3'
Protein context (NP_001990.2, residues 1971-1991): CLDIDECSSF[Phe1981Ile]GQVCRNGRCF

ClinVar aggregate classification (germline): Conflicting classifications of pathogenicity. Review status: criteria provided, conflicting classifications (1 of 4 stars). 2 submissions from 2 submitters: Uncertain significance (1); Likely benign (1). Last evaluated 2025-04-07.

Conditions:
Congenital contractural arachnodactyly (CCA). Also called: BEALS SYNDROME; Beals-Hecht syndrome; Arthrogryposis, distal, type 9. Identifiers: Orphanet 115, MedGen C0220668, MONDO:0007363, OMIM 121050.

Allele frequency attached by ClinVar (database versions not stated): ExAC 0.00002; gnomAD 0.00002 and 0.00004; gnomAD exomes 0.00002; TOPMed 0.00002; 1000 Genomes Project 30x 0.00031; 1000 Genomes Project 0.00040.
gnomAD v4.1: 21 of 1,613,556 alleles (0.0013%); highest among the groups gnomAD compares: East Asian, 0.042%; no homozygotes.

Submissions (2):

Labcorp Genetics (formerly Invitae), Labcorp
Classification: Likely benign for Congenital contractural arachnodactyly. Last evaluated: 2025-04-07. Review status: criteria provided, single submitter. Criteria: Invitae Variant Classification Sherloc (09022015). Collection method: clinical testing. Allele origin: germline.

GeneDx
Classification: Uncertain significance. Last evaluated: 2024-01-19. Review status: criteria provided, single submitter. Criteria: GeneDx Variant Classification Process June 2021. Collection method: clinical testing. Allele origin: germline. Affected: yes.
Comment: Has not been previously published as pathogenic or benign to our knowledge; Although located in a calcium-binding EGF-like domain of the FBN2 gene, it does not substitute or introduce a cysteine residue (PMID: 19006240, 18767143); In silico analysis supports that this missense variant does not alter protein structure/function